The following is an entry in ClinVar:

ClinVar aggregate classification (germline): Pathogenic/Likely pathogenic. Review status: criteria provided, multiple submitters, no conflicts (2 of 4 stars). 5 submissions from 5 submitters: Pathogenic (3); Likely pathogenic (2). Last evaluated 2025-12-15.

Conditions:
PDE6A-related disorder. Also called: PDE6A-related condition.
Retinal dystrophy. Also called: Inherited retinal dystrophy. Identifiers: Orphanet 71862, MedGen C0854723, MeSH D058499, MONDO:0019118, HP:0000556.
Retinitis pigmentosa 43 (RP43). Identifiers: Orphanet 791, MedGen C3151139, MONDO:0013437, OMIM 613810.

Allele frequency attached by ClinVar (database versions not stated): gnomAD exomes 0.00002; TOPMed 0.00002; gnomAD 0.00004.
gnomAD v4.1: 43 of 1,613,920 alleles (0.0027%); highest among the groups gnomAD compares: Middle Eastern, 0.033%; no homozygotes.

Submissions (5):

Labcorp Genetics (formerly Invitae), Labcorp
Classification: Pathogenic. Last evaluated: 2025-12-15. Review status: criteria provided, single submitter. Criteria: Invitae Variant Classification Sherloc (09022015). Collection method: clinical testing. Allele origin: germline.
Comment: This sequence change replaces arginine, which is basic and polar, with histidine, which is basic and polar, at codon 102 of the PDE6A protein (p.Arg102His). This variant is present in population databases (rs750539462, gnomAD 0.008%). This missense change has been observed in individual(s) with clinical features of retinitis pigmentosa (PMID: 10393062, 30685614, 30998820). In at least one individual the data is consistent with being in trans (on the opposite chromosome) from a pathogenic variant. It has also been observed to segregate with disease in related individuals. ClinVar contains an entry for this variant (Variation ID: 971026). Invitae Evidence Modeling of protein sequence and biophysical properties (such as structural, functional, and spatial information, amino acid conservation, physicochemical variation, residue mobility, and thermodynamic stability) has been performed for this missense variant. However, the output from this modeling did not meet the statistical confidence thresholds required to predict the impact of this variant on PDE6A protein function. This variant disrupts the p.Arg102 amino acid residue in PDE6A. Other variant(s) that disrupt this residue have been determined to be pathogenic (PMID: 10393062, 25775262, 27917291). This suggests that this residue is clinically significant, and that variants that disrupt this residue are likely to be disease-causing. For these reasons, this variant has been classified as Pathogenic.

3billion
Classification: Likely pathogenic for Retinitis pigmentosa 43. Last evaluated: 2024-09-06. Review status: criteria provided, single submitter. Criteria: ACMG Guidelines, 2015. Collection method: clinical testing. Allele origin: germline. Affected: yes.
Comment: The variant is observed at an extremely low frequency in the gnomAD v4.0.0 dataset (total allele frequency: 0.003%). Predicted Consequence/Location: Missense variant. The majority of the known disease-causing variants of this gene are variants expected to result in premature termination of the protein. In silico tool predictions suggest damaging effect of the variant on gene or gene product [REVEL: 0.69 (>=0.6, sensitivity 0.68 and specificity 0.92)]. The same nucleotide change resulting in the same amino acid change has been previously reported to be associated with PDE6A related disorder (ClinVar ID: VCV000971026 /PMID: 10393062 /3billion dataset).The variant has been reported to be in trans with a pathogenic variant as either compound heterozygous or homozygous in at least one similarly affected unrelated individual (PMID: 30998820). The variant has been reported to co-segregate with the disease in at least one similarly affected relative/individual in the same family or similarly affected unrelated family (PMID: 30998820). Different missense changes at the same codon (p.Arg102Cys, p.Arg102Ser) have been reported as pathogenic/likely pathogenic with strong evidence (ClinVar ID: VCV000193099, VCV000839256 /PMID: 10393062, 18723146 /3billion dataset). Therefore, this variant is classified as Likely pathogenic according to the recommendation of ACMG/AMP guideline.

Fulgent Genetics
Classification: Pathogenic for Retinitis pigmentosa 43. Last evaluated: 2024-02-19. Review status: criteria provided, single submitter. Criteria: ACMG Guidelines, 2015. Collection method: clinical testing. Allele origin: germline.

Blueprint Genetics
Classification: Pathogenic for PDE6A-related disorders. Last evaluated: 2023-08-03. Review status: criteria provided, single submitter. Criteria: ACMG Guidelines, 2015. Collection method: clinical testing. Allele origin: germline. Affected: yes. Observed: 3 variant alleles.

Institute of Human Genetics, Univ. Regensburg, Univ. Regensburg
Classification: Likely pathogenic for Retinal dystrophy. Last evaluated: 2020-01-01. Review status: criteria provided, single submitter. Criteria: ACMG Guidelines, 2015. Collection method: clinical testing. Allele origin: germline. Affected: yes.

Literature cited by the submitters: PubMed 10393062 (cited by 3 submitters); PubMed 30685614 (cited by Labcorp Genetics (formerly Invitae), Labcorp and Institute of Human Genetics, Univ. Regensburg, Univ. Regensburg); PubMed 30998820 (cited by 3 submitters); PubMed 25775262 (cited by Labcorp Genetics (formerly Invitae), Labcorp); PubMed 27917291 (cited by Labcorp Genetics (formerly Invitae), Labcorp); PubMed 31964843 (cited by Institute of Human Genetics, Univ. Regensburg, Univ. Regensburg); PubMed 31429209 (cited by Institute of Human Genetics, Univ. Regensburg, Univ. Regensburg); PubMed 33691693 (cited by Institute of Human Genetics, Univ. Regensburg, Univ. Regensburg); PubMed 36819107 (cited by Institute of Human Genetics, Univ. Regensburg, Univ. Regensburg).

NM_000440.3(PDE6A):c.305G>A (p.Arg102His)

Gene: PDE6A (phosphodiesterase 6A; minus strand). Cytogenetic location: 5q32.
Variant type: single nucleotide variant.
Coding change: c.305G>A on transcript NM_000440.3 (MANE Select); coding-DNA position 305, G replaced by A.
Protein change: p.Arg102His; replaces arginine 102 with histidine.
Molecular consequence: missense variant.
Genome position (GRCh38, 1-based): chr5:149,944,369, C>T on the plus strand (G>A on the coding strand, the complement: PDE6A is on the minus strand). VCF-style: chr5-149944369-C-T. GRCh37 (hg19) VCF-style: chr5-149323932-C-T.
Other names: short protein forms R102H.
Identifiers: ClinVar variation 971026 (VCV000971026.14), dbSNP rs750539462, ClinGen allele CA129059224.